The following is an entry in ClinVar:

NM_004984.4(KIF5A):c.935C>T (p.Ala312Val)

Gene: KIF5A (kinesin family member 5A; plus strand). Cytogenetic location: 12q13.3.
Variant type: single nucleotide variant.
Coding change: c.935C>T on transcript NM_004984.4 (MANE Select); coding-DNA position 935, C replaced by T.
Protein change: p.Ala312Val; replaces alanine 312 with valine.
Molecular consequence: missense variant.
Genome position (GRCh38, 1-based): chr12:57,569,371, C>T. VCF-style: chr12-57569371-C-T. GRCh37 (hg19) VCF-style: chr12-57963154-C-T.
Other names: c.935C>T (NM_004984.2); c.668C>T, p.Ala223Val (NM_001354705.2); short protein forms A312V, A223V.
Identifiers: ClinVar variation 1430098 (VCV001430098.9), dbSNP rs2140162971, ClinGen allele CA385500938.

ClinVar aggregate classification (germline): Uncertain significance. Review status: criteria provided, multiple submitters, no conflicts (2 of 4 stars). 2 submissions from 2 submitters: Uncertain significance (2). Last evaluated 2026-04-20.

Conditions:
Spastic paraplegia. Identifiers: MedGen C0037772, HP:0001258.

Submissions (2):

GeneDx
Classification: Uncertain significance. Last evaluated: 2026-04-20. Review status: criteria provided, single submitter. Criteria: GeneDx Variant Classification Process June 2021. Collection method: clinical testing. Allele origin: germline.
Comment: Not observed at significant frequency in large population cohorts (gnomAD); In silico analysis supports that this missense variant has a deleterious effect on protein structure/function; Has not been previously published as pathogenic or benign to our knowledge

Labcorp Genetics (formerly Invitae), Labcorp
Classification: Uncertain significance for Spastic paraplegia. Last evaluated: 2022-07-18. Review status: criteria provided, single submitter. Criteria: Invitae Variant Classification Sherloc (09022015). Collection method: clinical testing. Allele origin: germline.
Comment: In summary, the available evidence is currently insufficient to determine the role of this variant in disease. Therefore, it has been classified as a Variant of Uncertain Significance. Advanced modeling of protein sequence and biophysical properties (such as structural, functional, and spatial information, amino acid conservation, physicochemical variation, residue mobility, and thermodynamic stability) performed at Invitae indicates that this missense variant is not expected to disrupt KIF5A protein function. ClinVar contains an entry for this variant (Variation ID: 1430098). This variant has not been reported in the literature in individuals affected with KIF5A-related conditions. This variant is not present in population databases (gnomAD no frequency). This sequence change replaces alanine, which is neutral and non-polar, with valine, which is neutral and non-polar, at codon 312 of the KIF5A protein (p.Ala312Val).